The following is an entry in ClinVar:

ClinVar aggregate classification (germline): Conflicting classifications of pathogenicity. Review status: criteria provided, conflicting classifications (1 of 4 stars). 3 submissions from 3 submitters: Uncertain significance (1); Benign (1); Likely benign (1). Last evaluated 2025-04-23.

Conditions:
Tuberous sclerosis syndrome (TSC). Also called: Tuberous Sclerosis Complex; Tuberous sclerosis. Identifiers: Orphanet 805, MedGen C0041341, MONDO:0001734.
Tuberous sclerosis 2 (TSC2). Identifiers: Orphanet 805, MedGen C1860707, MONDO:0013199, OMIM 613254.
Hereditary cancer-predisposing syndrome. Also called: Neoplastic Syndromes, Hereditary; Tumor predisposition; Hereditary Cancer Syndrome; Hereditary neoplastic syndrome. Identifiers: Orphanet 140162, MedGen C0027672, MeSH D009386, MONDO:0015356.

Allele frequency attached by ClinVar (database versions not stated): ExAC 0.00001; gnomAD 0.00001; TOPMed 0.00002.
gnomAD v4.1: 5 of 1,609,094 alleles (0.00031%); highest among the groups gnomAD compares: East Asian, 0.0022%; no homozygotes.

Submissions (3):

Labcorp Genetics (formerly Invitae), Labcorp
Classification: Benign for Tuberous sclerosis 2. Last evaluated: 2025-04-23. Review status: criteria provided, single submitter. Criteria: Invitae Variant Classification Sherloc (09022015). Collection method: clinical testing. Allele origin: germline.

All of Us Research Program, National Institutes of Health
Classification: Uncertain significance for Tuberous sclerosis syndrome. Last evaluated: 2024-03-05. Review status: criteria provided, single submitter. Criteria: ACMG Guidelines, 2015. Collection method: clinical testing. Allele origin: germline. Inheritance: Autosomal dominant inheritance. Observed: 1 variant allele, 1 heterozygote.
Comment: This study involves interpretation of variants in research participants for the purpose of population health screening. Participant phenotype was not available at the time of variant classification. Additional details can be found in publication PMID: 35346344, PMCID: PMC8962531

Ambry Genetics
Classification: Likely benign for Hereditary cancer-predisposing syndrome. Last evaluated: 2023-07-15. Review status: criteria provided, single submitter. Criteria: Ambry Variant Classification Scheme 2023. Collection method: clinical testing. Allele origin: germline.

NM_000548.5(TSC2):c.4265C>T (p.Thr1422Ile)

Gene: TSC2 (TSC complex subunit 2; plus strand). Cytogenetic location: 16p13.3.
Variant type: single nucleotide variant.
Coding change: c.4265C>T on transcript NM_000548.5 (MANE Select); coding-DNA position 4265, C replaced by T.
Protein change: p.Thr1422Ile; replaces threonine 1422 with isoleucine.
Molecular consequence: missense variant.
Genome position (GRCh38, 1-based): chr16:2,084,487, C>T. VCF-style: chr16-2084487-C-T. GRCh37 (hg19) VCF-style: chr16-2134488-C-T.
Other names: c.3956C>T, p.Thr1319Ile (NM_001318827.2); c.3920C>T, p.Thr1307Ile (NM_001318829.2); c.3533C>T, p.Thr1178Ile (NM_001318831.2); c.4097C>T, p.Thr1366Ile (NM_001318832.2); c.4067C>T, p.Thr1356Ile (NM_001363528.2); c.4133C>T, p.Thr1378Ile (NM_001370404.1); c.4136C>T, p.Thr1379Ile (NM_001370405.1, NM_021055.3); c.4064C>T, p.Thr1355Ile (NM_001077183.3); and 1 more; short protein forms T1422I, T1178I, T1307I, T1355I, T1356I, T1378I, T1399I, T1319I.
Identifiers: ClinVar variation 535904 (VCV000535904.11), dbSNP rs760230300, ClinGen allele CA050727.
Genomic context (GRCh38, chr16:2,084,487, plus strand): 5'-GGGACAAGGCCGACGTGGGCCGGCTGAGCCCTGAGGTTAAGGCCCGGTCACAGTCAGGGA[C>T]CCTGGACGGGGAAAGTGCTGCCTGGTCGGCCTCGGGCGAAGACAGTCGGGGCCAGCCCGA-3'
Protein context (NP_000539.2, residues 1412-1432): PEVKARSQSG[Thr1422Ile]LDGESAAWSA